The following is an entry in ClinVar:

NM_003565.4(ULK1):c.2326+7G>T

Gene: ULK1 (unc-51 like autophagy activating kinase 1; plus strand). Cytogenetic location: 12q24.33.
Variant type: single nucleotide variant.
Coding change: c.2326+7G>T on transcript NM_003565.4 (MANE Select); 7 bases into the intron after coding-DNA position 2326, G replaced by T.
Molecular consequence: intron variant.
Genome position (GRCh38, 1-based): chr12:131,917,561, G>T. VCF-style: chr12-131917561-G-T. GRCh37 (hg19) VCF-style: chr12-132402106-G-T.
Identifiers: ClinVar variation 4985125 (VCV004985125.1).

ClinVar aggregate classification (germline): Likely benign (1 of 4 stars; one submission).

Conditions:
ULK1-related disorder. Also called: ULK1-related condition.

gnomAD v4.1: 5 of 1,412,178 alleles (0.00035%); highest among the groups gnomAD compares: African/African-American, 0.0059%; no homozygotes.

Submission:

PreventionGenetics, part of Exact Sciences
Classification: Likely benign for ULK1-related condition. Last evaluated: 2025-07-09. Review status: criteria provided, single submitter. Criteria: ACMG Guidelines, 2015. Collection method: clinical testing. Allele origin: germline.
Comment: This variant is classified as likely benign based on ACMG/AMP sequence variant interpretation guidelines (Richards et al. 2015 PMID: 25741868, with internal and published modifications).